The following is an entry in ClinVar:

NM_022041.4(GAN):c.1658C>A (p.Thr553Asn)

Gene: GAN (gigaxonin; plus strand). Cytogenetic location: 16q23.2.
Variant type: single nucleotide variant.
Coding change: c.1658C>A on transcript NM_022041.4 (MANE Select); coding-DNA position 1658, C replaced by A.
Protein change: p.Thr553Asn; replaces threonine 553 with asparagine.
Molecular consequence: missense variant.
Genome position (GRCh38, 1-based): chr16:81,377,460, C>A. VCF-style: chr16-81377460-C-A. GRCh37 (hg19) VCF-style: chr16-81411065-C-A.
Other names: c.1019C>A, p.Thr340Asn (NM_001377486.1); short protein forms T340N, T553N.
Identifiers: ClinVar variation 1019229 (VCV001019229.6), dbSNP rs759200321, ClinGen allele CA8191852.

ClinVar aggregate classification (germline): Uncertain significance (1 of 4 stars; one submission).

Conditions:
Giant axonal neuropathy 1 (GAN1). Also called: GIANT AXONAL NEUROPATHY 1, AUTOSOMAL RECESSIVE; GAN-Related Neurodegeneration. Identifiers: Orphanet 643, MedGen C1850386, MONDO:0009749, OMIM 256850.

Allele frequency attached by ClinVar (database versions not stated): TOPMed below 0.00001; ExAC 0.00001; gnomAD exomes 0.00001.
gnomAD v4.1: 16 of 1,613,978 alleles (0.00099%); highest among the groups gnomAD compares: African/African-American, 0.0013%; no homozygotes.

Submission:

Labcorp Genetics (formerly Invitae), Labcorp
Classification: Uncertain significance for Giant axonal neuropathy 1. Last evaluated: 2021-08-28. Review status: criteria provided, single submitter. Criteria: Invitae Variant Classification Sherloc (09022015). Collection method: clinical testing. Allele origin: germline.
Comment: This sequence change replaces threonine with asparagine at codon 553 of the GAN protein (p.Thr553Asn). The threonine residue is moderately conserved and there is a small physicochemical difference between threonine and asparagine. This variant is present in population databases (rs759200321, ExAC 0.001%). This variant has not been reported in the literature in individuals affected with GAN-related conditions. Algorithms developed to predict the effect of missense changes on protein structure and function are either unavailable or do not agree on the potential impact of this missense change (SIFT: "Tolerated"; PolyPhen-2: "Possibly Damaging"; Align-GVGD: "Class C0"). In summary, the available evidence is currently insufficient to determine the role of this variant in disease. Therefore, it has been classified as a Variant of Uncertain Significance.